The following is an entry in ClinVar:

NM_012448.4(STAT5B):c.415C>T (p.Gln139Ter)

Gene: STAT5B (signal transducer and activator of transcription 5B; minus strand). Cytogenetic location: 17q21.2.
Variant type: single nucleotide variant.
Coding change: c.415C>T on transcript NM_012448.4 (MANE Select); coding-DNA position 415, C replaced by T.
Protein change: p.Gln139Ter; replaces glutamine 139 with a stop codon.
Molecular consequence: nonsense.
Genome position (GRCh38, 1-based): chr17:42,223,517, G>A on the plus strand (C>T on the coding strand, the complement: STAT5B is on the minus strand). VCF-style: chr17-42223517-G-A. GRCh37 (hg19) VCF-style: chr17-40375535-G-A.
Other names: short protein forms Q139*.
Identifiers: ClinVar variation 2003395 (VCV002003395.4), dbSNP rs2508776887, ClinGen allele CA399589518.
Genomic context (GRCh38, chr17:42,223,517, plus strand): 5'-CTGTGTCCTGCGTGACCAGTCGCAGCTCCTCAAACGTCTGGTTGATCTGGAGGTGTTTCT[G>A]GGACATGGCATCAGCAAGGCTTCCAGCTGGAGAGCTACCCTGGGAACATATGGGGGGCAG-3'

ClinVar aggregate classification (germline): Pathogenic (1 of 4 stars; one submission).

Conditions:
Growth hormone insensitivity with immune dysregulation 1, autosomal recessive. Also called: Laron syndrome with immunodeficiency; GROWTH HORMONE INSENSITIVITY SYNDROME WITH IMMUNE DYSREGULATION 1, AUTOSOMAL RECESSIVE; GROWTH HORMONE INSENSITIVITY DUE TO POSTRECEPTOR DEFECT; LARON SYNDROME DUE TO POSTRECEPTOR DEFECT. Identifiers: Orphanet 220465, MedGen C5435698, MONDO:0100211, OMIM 245590.

Submission:

Labcorp Genetics (formerly Invitae), Labcorp
Classification: Pathogenic for Growth hormone insensitivity with immune dysregulation 1, autosomal recessive. Last evaluated: 2023-07-18. Review status: criteria provided, single submitter. Criteria: Invitae Variant Classification Sherloc (09022015). Collection method: clinical testing. Allele origin: germline.
Comment: This sequence change creates a premature translational stop signal (p.Gln139*) in the STAT5B gene. It is expected to result in an absent or disrupted protein product. Loss-of-function variants in STAT5B are known to be pathogenic (PMID: 15827093). This variant is not present in population databases (gnomAD no frequency). This variant has not been reported in the literature in individuals affected with STAT5B-related conditions. ClinVar contains an entry for this variant (Variation ID: 2003395). Algorithms developed to predict the effect of sequence changes on RNA splicing suggest that this variant may disrupt the consensus splice site. For these reasons, this variant has been classified as Pathogenic.

Literature cited by the submitters: PubMed 15827093.